The following is an entry in ClinVar:

ClinVar aggregate classification (germline): Uncertain significance (1 of 4 stars; one submission).

gnomAD v4.1: 18 of 1,614,036 alleles (0.0011%); highest among the groups gnomAD compares: African/African-American, 0.0013%; no homozygotes.

Submission:

Labcorp Genetics (formerly Invitae), Labcorp
Classification: Uncertain significance. Last evaluated: 2025-04-27. Review status: criteria provided, single submitter. Criteria: Invitae Variant Classification Sherloc (09022015). Collection method: clinical testing. Allele origin: germline.
Comment: This sequence change replaces arginine, which is basic and polar, with histidine, which is basic and polar, at codon 81 of the ATP6V1A protein (p.Arg81His). This variant is present in population databases (no rsID available, gnomAD 0.009%). This missense change has been observed in individual(s) with ATP6V1A-related conditions (PMID: 31175295). Invitae Evidence Modeling of protein sequence and biophysical properties (such as structural, functional, and spatial information, amino acid conservation, physicochemical variation, residue mobility, and thermodynamic stability) has been performed for this missense variant. However, the output from this modeling did not meet the statistical confidence thresholds required to predict the impact of this variant on ATP6V1A protein function. Algorithms developed to predict the effect of sequence changes on RNA splicing suggest that this variant may create or strengthen a splice site. In summary, the available evidence is currently insufficient to determine the role of this variant in disease. Therefore, it has been classified as a Variant of Uncertain Significance.

Literature cited by the submitters: PubMed 31175295.

NM_001690.4(ATP6V1A):c.242G>A (p.Arg81His)

Gene: ATP6V1A (ATPase H+ transporting V1 subunit A; plus strand). Cytogenetic location: 3q13.31.
Variant type: single nucleotide variant.
Coding change: c.242G>A on transcript NM_001690.4 (MANE Select); coding-DNA position 242, G replaced by A.
Protein change: p.Arg81His; replaces arginine 81 with histidine.
Molecular consequence: missense variant.
Genome position (GRCh38, 1-based): chr3:113,784,254, G>A. VCF-style: chr3-113784254-G-A. GRCh37 (hg19) VCF-style: chr3-113503101-G-A.
Other names: short protein forms R81H.
Identifiers: ClinVar variation 4752423 (VCV004752423.1).